The following is an entry in ClinVar:

NM_178844.4(NLRC3):c.2940-184G>T

Gene: NLRC3 (NLR family CARD domain containing 3; minus strand). Cytogenetic location: 16p13.3.
Variant type: single nucleotide variant.
Coding change: c.2940-184G>T on transcript NM_178844.4 (MANE Select); 184 bases into the intron before coding-DNA position 2940, G replaced by T.
Molecular consequence: intron variant.
Genome position (GRCh38, 1-based): chr16:3,542,959, C>A on the plus strand (G>T on the coding strand, the complement: NLRC3 is on the minus strand). VCF-style: chr16-3542959-C-A. GRCh37 (hg19) VCF-style: chr16-3592959-C-A.
Identifiers: ClinVar variation 102958 (VCV000102958.2), dbSNP rs199476289, ClinGen allele CA229921.

ClinVar aggregate classification (germline): not provided (0 of 4 stars; one submission).

Allele frequency attached by ClinVar (database versions not stated): gnomAD 0.00206 and 0.00215; 1000 Genomes Project 0.00220; 1000 Genomes Project 30x 0.00234; TOPMed 0.00258.
gnomAD v4.1: 450 of 582,600 alleles (0.077%); highest among the groups gnomAD compares: African/African-American, 0.68%; 5 homozygotes.

Submission:

Human Evolutionary Genetics, Institut Pasteur
No classification provided. Review status: no classification provided. Collection method: not provided. Allele origin: germline.
ClinVar note: Converted during submission from untested to not provided.